The following is an entry in ClinVar:

ClinVar aggregate classification (germline): Likely benign. Review status: criteria provided, multiple submitters, no conflicts (2 of 4 stars). 2 submissions from 2 submitters: Likely benign (2). Last evaluated 2022-07-01.

Conditions:
Infantile myofibromatosis (IMF). Also called: Congenital generalized fibromatosis. Identifiers: Orphanet 2591, MedGen C0432284, MONDO:0016824.
Skeletal overgrowth-craniofacial dysmorphism-hyperelastic skin-white matter lesions syndrome. Also called: SKELETAL OVERGROWTH WITH FACIAL DYSMORPHISM, HYPERELASTIC SKIN, WHITE MATTER LESIONS, AND NEUROLOGIC DETERIORATION; Kosaki overgrowth syndrome. Identifiers: Orphanet 477831, MedGen C4225270, MONDO:0014704, OMIM 616592.
Basal ganglia calcification, idiopathic, 4 (PFBC4). Also called: Familial Idiopathic Basal Ganglia Calcification 4; PRIMARY FAMILIAL BRAIN CALCIFICATION 4, AUTOSOMAL DOMINANT. Identifiers: Orphanet 1980, MedGen C3554321, MONDO:0014004, OMIM 615007.
Acroosteolysis-keloid-like lesions-premature aging syndrome. Also called: Premature aging syndrome, Penttinen type; Prematurely aged appearance, delayed bone maturation, acro-osteolysis, and brachydactyly; Progeroid syndrome, Penttinen type. Identifiers: Orphanet 363665, MedGen C1866182, MONDO:0011150, OMIM 601812.

gnomAD v4.1: 9 of 1,592,600 alleles (0.00057%); highest among the groups gnomAD compares: Non-Finnish European, 0.00069%; no homozygotes.

Submissions (2):

CeGaT Center for Human Genetics Tuebingen
Classification: Likely benign. Last evaluated: 2022-07-01. Review status: criteria provided, single submitter. Criteria: CeGaT Center For Human Genetics Tuebingen Variant Classification Criteria Version 2. Collection method: clinical testing. Allele origin: germline. Affected: yes. Observed: 1 variant allele.
Comment: PDGFRB: BP4, BP7

Labcorp Genetics (formerly Invitae), Labcorp
Classification: Likely benign for Basal ganglia calcification, idiopathic, 4; Skeletal overgrowth-craniofacial dysmorphism-hyperelastic skin-white matter lesions syndrome; Infantile myofibromatosis; Acroosteolysis-keloid-like lesions-premature aging syndrome. Last evaluated: 2022-05-16. Review status: criteria provided, single submitter. Criteria: Invitae Variant Classification Sherloc (09022015). Collection method: clinical testing. Allele origin: germline.

NM_002609.4(PDGFRB):c.1332G>C (p.Pro444=)

Gene: PDGFRB (platelet derived growth factor receptor beta; minus strand). Cytogenetic location: 5q32.
Variant type: single nucleotide variant.
Coding change: c.1332G>C on transcript NM_002609.4 (MANE Select); coding-DNA position 1332, G replaced by C.
Protein change: p.Pro444=; no amino-acid change (proline 444 retained).
Molecular consequence: synonymous variant.
Genome position (GRCh38, 1-based): chr5:150,130,574, C>G on the plus strand (G>C on the coding strand, the complement: PDGFRB is on the minus strand). VCF-style: chr5-150130574-C-G. GRCh37 (hg19) VCF-style: chr5-149510137-C-G.
Other names: c.1140G>C, p.Pro380= (NM_001355016.2); c.849G>C, p.Pro283= (NM_001355017.2).
Identifiers: ClinVar variation 2141259 (VCV002141259.28), dbSNP rs751959209, ClinGen allele CA447145224.